The following is an entry in ClinVar:

NM_172351.3(CD46):c.1104C>T (p.Thr368=)

Gene: CD46 (CD46 molecule; plus strand). Cytogenetic location: 1q32.2.
Variant type: single nucleotide variant.
Coding change: c.1104C>T on transcript NM_172351.3 (MANE Select); coding-DNA position 1104, C replaced by T.
Protein change: p.Thr368=; no amino-acid change (threonine 368 retained).
Molecular consequence: synonymous variant. On other transcripts: intron variant (7).
Genome position (GRCh38, 1-based): chr1:207,790,274, C>T. VCF-style: chr1-207790274-C-T. GRCh37 (hg19) VCF-style: chr1-207963619-C-T.
Other names: c.1149C>T, p.Thr383= (NM_002389.4); c.1059C>T, p.Thr353= (NM_172352.3); c.1062C>T, p.Thr354= (NM_172355.3); c.1017C>T, p.Thr339= (NM_172357.3); c.1128-3245C>T (NM_172359.3); c.1083-3245C>T (NM_153826.4); c.1046-3245C>T (NM_172358.3); c.1041-3245C>T (NM_172356.3); and 3 more.
Identifiers: ClinVar variation 874827 (VCV000874827.10), dbSNP rs764242699, ClinGen allele CA1371904.
Genomic context (GRCh38, chr1:207,790,274, plus strand): 5'-TCACTATTTTATTCAGCCGTTTTCTCTTCCTCTGTTCAGCACATACCTAACTGATGAGAC[C>T]CACAGAGAAGTAAAATTTACTTCTCTCTGAGAAGGAGAGATGAGAGAAAGGTTTGCTTTT-3'
Protein context (NP_758861.1, residues 358-377): KKKGTYLTDE[Thr368=]HREVKFTSL

ClinVar aggregate classification (germline): Conflicting classifications of pathogenicity. Review status: criteria provided, conflicting classifications (1 of 4 stars). 3 submissions from 3 submitters: Uncertain significance (1); Likely benign (1). 1 of the submissions does not count toward it. Last evaluated 2025-09-13.

Conditions:
CD46-related disorder. Also called: CD46-related condition.
Atypical hemolytic-uremic syndrome with MCP/CD46 anomaly. Also called: HEMOLYTIC UREMIC SYNDROME, ATYPICAL, SUSCEPTIBILITY TO, 2; AHUS, SUSCEPTIBILITY TO, 2. Identifiers: Orphanet 2134, MedGen C2752040, MONDO:0013040, OMIM 612922.

Allele frequency attached by ClinVar (database versions not stated): ExAC 0.00002; gnomAD exomes 0.00002; TOPMed 0.00002; gnomAD 0.00003.
gnomAD v4.1: 38 of 1,593,270 alleles (0.0024%); highest among the groups gnomAD compares: Non-Finnish European, 0.0028%; no homozygotes.

Submissions (3):

Labcorp Genetics (formerly Invitae), Labcorp
Classification: Likely benign. Last evaluated: 2025-09-13. Review status: criteria provided, single submitter. Criteria: Invitae Variant Classification Sherloc (09022015). Collection method: clinical testing. Allele origin: germline.

Illumina Laboratory Services, Illumina
Classification: Uncertain significance for Atypical hemolytic-uremic syndrome with MCP/CD46 anomaly. Last evaluated: 2018-01-13. Review status: criteria provided, single submitter. Criteria: ICSL Variant Classification Criteria 13 December 2019. Collection method: clinical testing. Allele origin: germline.

PreventionGenetics, part of Exact Sciences
Classification: Likely benign for CD46-related condition. Last evaluated: 2022-12-02. Review status: no assertion criteria provided. Collection method: clinical testing. Allele origin: germline. Not counted in ClinVar's aggregate classification.
Comment: This variant is classified as likely benign based on ACMG/AMP sequence variant interpretation guidelines (Richards et al. 2015 PMID: 25741868, with internal and published modifications).